The following is an entry in ClinVar:

ClinVar aggregate classification (germline): Conflicting classifications of pathogenicity. Review status: criteria provided, conflicting classifications (1 of 4 stars). 2 submissions from 2 submitters: Likely pathogenic (1); Uncertain significance (1). Last evaluated 2025-08-15.

Conditions:
Hereditary cancer-predisposing syndrome. Also called: Tumor predisposition; Hereditary Cancer Syndrome; Neoplastic Syndromes, Hereditary; Hereditary neoplastic syndrome. Identifiers: Orphanet 140162, MedGen C0027672, MeSH D009386, MONDO:0015356.
Familial adenomatous polyposis 2. Also called: MYH-associated polyposis; FAP type 2; ADENOMAS, MULTIPLE COLORECTAL, AUTOSOMAL RECESSIVE; MUTYH Polyposis; MUTYH-associated polyposis; MUTYH-related attenuated familial adenomatous polyposis. Identifiers: Orphanet 220460, Orphanet 247798, MedGen C3272841, MONDO:0012041, OMIM 608456.

Submissions (2):

Ambry Genetics
Classification: Likely pathogenic for Hereditary cancer-predisposing syndrome. Last evaluated: 2025-08-15. Review status: criteria provided, single submitter. Criteria: Ambry Variant Classification Scheme 2023. Collection method: clinical testing. Allele origin: germline.
Comment: The p.L101P variant (also known as c.302T>C), located in coding exon 3 of the MUTYH gene, results from a T to C substitution at nucleotide position 302. The leucine at codon 101 is replaced by proline, an amino acid with similar properties. In a massively parallel cell-based functional assay testing 7,8-dihydro-8-oxoguanine:adenine (8OG:A) repair activity, a byproduct of oxidative damage, this variant was reported to be non-functional (Hemker SL et al. Am J Hum Genet. Published online July 29, 2025. DOI: 10.1016/j.ajhg.2025.07.005). This amino acid position is highly conserved in available vertebrate species. In addition, this alteration is predicted to be deleterious by in silico analysis. This variant is considered to be rare based on population cohorts in the Genome Aggregation Database (gnomAD). Based on the majority of available evidence to date, this variant is likely to be pathogenic.

Labcorp Genetics (formerly Invitae), Labcorp
Classification: Uncertain significance for Familial adenomatous polyposis 2. Last evaluated: 2021-12-11. Review status: criteria provided, single submitter. Criteria: Invitae Variant Classification Sherloc (09022015). Collection method: clinical testing. Allele origin: germline.
Comment: In summary, the available evidence is currently insufficient to determine the role of this variant in disease. Therefore, it has been classified as a Variant of Uncertain Significance. Algorithms developed to predict the effect of missense changes on protein structure and function (SIFT, PolyPhen-2, Align-GVGD) all suggest that this variant is likely to be disruptive. ClinVar contains an entry for this variant (Variation ID: 232821). This variant has not been reported in the literature in individuals affected with MUTYH-related conditions. This variant is not present in population databases (gnomAD no frequency). This sequence change replaces leucine, which is neutral and non-polar, with proline, which is neutral and non-polar, at codon 101 of the MUTYH protein (p.Leu101Pro).

Literature cited by the submitters: PubMed 40738107 (cited by Ambry Genetics).

NM_001048174.2(MUTYH):c.218T>C (p.Leu73Pro)

Gene: MUTYH (mutY DNA glycosylase; minus strand). Cytogenetic location: 1p34.1.
Variant type: single nucleotide variant.
Coding change: c.218T>C on transcript NM_001048174.2 (MANE Select); coding-DNA position 218, T replaced by C.
Protein change: p.Leu73Pro; replaces leucine 73 with proline.
Molecular consequence: missense variant. On other transcripts: 5 prime UTR variant (4), non-coding transcript variant (2).
Genome position (GRCh38, 1-based): chr1:45,333,459, A>G on the plus strand (T>C on the coding strand, the complement: MUTYH is on the minus strand). VCF-style: chr1-45333459-A-G. GRCh37 (hg19) VCF-style: chr1-45799131-A-G.
Other names: c.218T>C, p.Leu73Pro (NM_001048171.2, NM_001048173.2, NM_001293195.2); c.221T>C, p.Leu74Pro (NM_001048172.2); c.302T>C, p.Leu101Pro (NM_001128425.2); c.263T>C, p.Leu88Pro (NM_001293190.2); c.251T>C, p.Leu84Pro (NM_001293191.2); c.-59T>C (NM_001293192.2, NM_001293196.2); c.-54T>C (NM_001350650.2, NM_001350651.2); c.293T>C, p.Leu98Pro (NM_012222.3); short protein forms L101P, L74P, L88P, L84P, L98P, L73P.
Identifiers: ClinVar variation 232821 (VCV000232821.12), dbSNP rs876660011, ClinGen allele CA10577745.